The following is an entry in ClinVar:

ClinVar aggregate classification (germline): Uncertain significance. Review status: criteria provided, multiple submitters, no conflicts (2 of 4 stars). 2 submissions from 2 submitters: Uncertain significance (2). Last evaluated 2022-09-27.

Conditions:
Inborn genetic diseases. Identifiers: MedGen C0950123, MeSH D030342.

Allele frequency attached by ClinVar (database versions not stated): ExAC 0.00002; gnomAD 0.00002; gnomAD exomes 0.00003 and 0.00007; TOPMed 0.00003.
gnomAD v4.1: 104 of 1,613,870 alleles (0.0064%); highest among the groups gnomAD compares: Non-Finnish European, 0.0085%; no homozygotes.

Submissions (2):

Labcorp Genetics (formerly Invitae), Labcorp
Classification: Uncertain significance. Last evaluated: 2022-09-27. Review status: criteria provided, single submitter. Criteria: Invitae Variant Classification Sherloc (09022015). Collection method: clinical testing. Allele origin: germline.
Comment: This sequence change replaces valine, which is neutral and non-polar, with isoleucine, which is neutral and non-polar, at codon 209 of the TBCD protein (p.Val209Ile). This variant is present in population databases (rs560749650, gnomAD 0.007%). This variant has not been reported in the literature in individuals affected with TBCD-related conditions. ClinVar contains an entry for this variant (Variation ID: 521490). Algorithms developed to predict the effect of missense changes on protein structure and function (SIFT, PolyPhen-2, Align-GVGD) all suggest that this variant is likely to be tolerated. In summary, the available evidence is currently insufficient to determine the role of this variant in disease. Therefore, it has been classified as a Variant of Uncertain Significance.

Ambry Genetics
Classification: Uncertain significance for Inborn genetic diseases. Last evaluated: 2017-04-03. Review status: criteria provided, single submitter. Criteria: Ambry exome assertion method (8-5-2015). Collection method: clinical testing. Allele origin: germline. Affected: yes. Observed: 1 variant allele.

NM_005993.5(TBCD):c.625G>A (p.Val209Ile)

Gene: TBCD (tubulin folding cofactor D). Cytogenetic location: 17q25.3.
Variant type: single nucleotide variant.
Coding change: c.625G>A on transcript NM_005993.5 (MANE Select); coding-DNA position 625, G replaced by A.
Protein change: p.Val209Ile; replaces valine 209 with isoleucine.
Molecular consequence: missense variant.
Genome position (GRCh38, 1-based): chr17:82,772,494, G>A. VCF-style: chr17-82772494-G-A. GRCh37 (hg19) VCF-style: chr17-80730370-G-A.
Other names: short protein forms V209I.
Identifiers: ClinVar variation 521490 (VCV000521490.9), dbSNP rs560749650, ClinGen allele CA8861680.
Genomic context (GRCh38, chr17:82,772,494, plus strand): 5'-CTTCACCCTTTCTTGCAGTCCTACTTGATTGTCAGTGACAAGGCCCGAGATGCAGCTGCT[G>A]TCCTTGTGTCCAGGTAAGTTTCCATGGCACATTTCTTGGTGTGTGGCTGGTGGGTTCTGA-3'
Protein context (NP_005984.3, residues 199-219): VSDKARDAAA[Val209Ile]LVSRFITRPD